The following is an entry in ClinVar:

ClinVar aggregate classification (germline): Uncertain significance (1 of 4 stars; one submission).

Allele frequency attached by ClinVar (database versions not stated): gnomAD exomes below 0.00001.
gnomAD v4.1: 3 of 1,614,036 alleles (0.00019%); highest among the groups gnomAD compares: Admixed American, 0.0033%; no homozygotes.

Submission:

Labcorp Genetics (formerly Invitae), Labcorp
Classification: Uncertain significance. Last evaluated: 2022-07-23. Review status: criteria provided, single submitter. Criteria: Invitae Variant Classification Sherloc (09022015). Collection method: clinical testing. Allele origin: germline.
Comment: This sequence change replaces tyrosine, which is neutral and polar, with cysteine, which is neutral and slightly polar, at codon 131 of the ELOVL4 protein (p.Tyr131Cys). This variant is present in population databases (no rsID available, gnomAD 0.006%). This variant has not been reported in the literature in individuals affected with ELOVL4-related conditions. Algorithms developed to predict the effect of missense changes on protein structure and function are either unavailable or do not agree on the potential impact of this missense change (SIFT: "Tolerated"; PolyPhen-2: "Probably Damaging"; Align-GVGD: "Class C15"). In summary, the available evidence is currently insufficient to determine the role of this variant in disease. Therefore, it has been classified as a Variant of Uncertain Significance.

NM_022726.4(ELOVL4):c.392A>G (p.Tyr131Cys)

Gene: ELOVL4 (ELOVL fatty acid elongase 4; minus strand). Cytogenetic location: 6q14.1.
Variant type: single nucleotide variant.
Coding change: c.392A>G on transcript NM_022726.4 (MANE Select); coding-DNA position 392, A replaced by G.
Protein change: p.Tyr131Cys; replaces tyrosine 131 with cysteine.
Molecular consequence: missense variant.
Genome position (GRCh38, 1-based): chr6:79,921,774, T>C on the plus strand (A>G on the coding strand, the complement: ELOVL4 is on the minus strand). VCF-style: chr6-79921774-T-C. GRCh37 (hg19) VCF-style: chr6-80631491-T-C.
Other names: short protein forms Y131C.
Identifiers: ClinVar variation 1713622 (VCV001713622.5), dbSNP rs1469055254, ClinGen allele CA364656773.